The following is an entry in ClinVar:

ClinVar aggregate classification (germline): Pathogenic (1 of 4 stars; one submission).

Conditions:
Combined malonic and methylmalonic acidemia. Identifiers: Orphanet 289504, MedGen C3280314, MONDO:0013661, OMIM 614265.

Submission:

Labcorp Genetics (formerly Invitae), Labcorp
Classification: Pathogenic for Combined malonic and methylmalonic acidemia. Last evaluated: 2023-08-24. Review status: criteria provided, single submitter. Criteria: Invitae Variant Classification Sherloc (09022015). Collection method: clinical testing. Allele origin: unknown.
Comment: For these reasons, this variant has been classified as Pathogenic. This variant has not been reported in the literature in individuals affected with ACSF3-related conditions. This variant is a gross deletion of the genomic region encompassing exon(s) 3-7 of the ACSF3 gene, which includes the initiator codon. This deletion extends beyond the assayed region for this gene and therefore may encompass additional genes. It is expected to result in an absent or disrupted protein product. Loss-of-function variants in ACSF3 are known to be pathogenic (PMID: 21841779, 26827111).

Literature cited by the submitters: PubMed 21841779; PubMed 26827111.

NC_000016.9:g.(?_89167090)_(89187341_?)del

Gene: ACSF3 (acyl-CoA synthetase family member 3; plus strand). Cytogenetic location: 16q24.3.
Variant type: Deletion.
Identifiers: ClinVar variation 3243503 (VCV003243503.1).